The following is an entry in ClinVar:

ClinVar aggregate classification (germline): Benign (1 of 4 stars; one submission).

Conditions:
Melanoma-pancreatic cancer syndrome. Identifiers: Orphanet 404560, MedGen C1838547, MONDO:0011713, OMIM 606719. Disease mechanism: loss of function.

gnomAD v4.1: 11 of 1,526,794 alleles (0.00072%); highest among the groups gnomAD compares: East Asian, 0.023%; no homozygotes.

Submission:

Myriad Genetics, Inc.
Classification: Benign for Melanoma-pancreatic cancer syndrome. Last evaluated: 2025-08-15. Review status: criteria provided, single submitter. Criteria: Myriad Autosomal Dominant, Autosomal Recessive and X-Linked Classification Criteria (2023). Collection method: clinical testing. Allele origin: unknown.
Comment: This variant is considered benign. This variant is intronic and is not expected to impact mRNA splicing.

NM_000077.5(CDKN2A):c.458-108T>C

Gene: CDKN2A (cyclin dependent kinase inhibitor 2A; minus strand). Cytogenetic location: 9p21.3.
Variant type: single nucleotide variant.
Coding change: c.458-108T>C on transcript NM_000077.5 (MANE Select); 108 bases into the intron before coding-DNA position 458, T replaced by C.
Molecular consequence: intron variant.
Genome position (GRCh38, 1-based): chr9:21,968,350, A>G on the plus strand (T>C on the coding strand, the complement: CDKN2A is on the minus strand). VCF-style: chr9-21968350-A-G. GRCh37 (hg19) VCF-style: chr9-21968349-A-G.
Other names: c.305-108T>C (NM_001363763.2); c.*102-108T>C (NM_058195.4); c.*151-108T>C (NM_001195132.2); c.*381-108T>C (NM_058197.5).
Identifiers: ClinVar variation 4294111 (VCV004294111.1).